The following is an entry in ClinVar:

NM_000094.4(COL7A1):c.520+1G>C

Gene: COL7A1 (collagen type VII alpha 1 chain; minus strand). Cytogenetic location: 3p21.31.
Variant type: single nucleotide variant.
Coding change: c.520+1G>C on transcript NM_000094.4 (MANE Select); the canonical splice donor site of the intron after coding-DNA position 520, G replaced by C.
Molecular consequence: splice donor variant.
Genome position (GRCh38, 1-based): chr3:48,593,355, C>G on the plus strand (G>C on the coding strand, the complement: COL7A1 is on the minus strand). VCF-style: chr3-48593355-C-G. GRCh37 (hg19) VCF-style: chr3-48630788-C-G.
Identifiers: ClinVar variation 1066795 (VCV001066795.5), dbSNP rs2107799999, ClinGen allele CA352746216.

ClinVar aggregate classification (germline): Likely pathogenic (1 of 4 stars; one submission).

Submission:

Labcorp Genetics (formerly Invitae), Labcorp
Classification: Likely pathogenic. Last evaluated: 2025-12-10. Review status: criteria provided, single submitter. Criteria: Invitae Variant Classification Sherloc (09022015). Collection method: clinical testing. Allele origin: germline.
Comment: This sequence change affects a donor splice site in intron 4 of the COL7A1 gene. It is expected to disrupt RNA splicing. Variants that disrupt the donor or acceptor splice site typically lead to a loss of protein function (PMID: 16199547), and loss-of-function variants in COL7A1 are known to be pathogenic (PMID: 16971478). This variant is not present in population databases (gnomAD no frequency). Disruption of this splice site has been observed in individual(s) with dystrophic epidermolysis bullosa (PMID: 34046686). ClinVar contains an entry for this variant (Variation ID: 1066795). Algorithms developed to predict the effect of sequence changes on RNA splicing suggest that this variant may disrupt the consensus splice site. In summary, the currently available evidence indicates that the variant is pathogenic, but additional data are needed to prove that conclusively. Therefore, this variant has been classified as Likely Pathogenic.

Literature cited by the submitters: PubMed 16199547; PubMed 16971478; PubMed 34046686.